The following is an entry in ClinVar:

ClinVar aggregate classification (germline): Benign/Likely benign. Review status: criteria provided, multiple submitters, no conflicts (2 of 4 stars). 2 submissions from 2 submitters: Benign (1); Likely benign (1). Last evaluated 2025-09-11.

Conditions:
TPP1-related disorder. Also called: TPP1-related condition.

Allele frequency attached by ClinVar (database versions not stated): ESP Exome Variant Server 0.00023; gnomAD 0.00053 and 0.00052; gnomAD exomes 0.00087 and 0.00051; TOPMed 0.00057; 1000 Genomes Project 0.00040; ExAC 0.00045; 1000 Genomes Project 30x 0.00062.

Submissions (2):

PreventionGenetics, part of Exact Sciences
Classification: Likely benign for TPP1-related condition. Last evaluated: 2025-09-11. Review status: criteria provided, single submitter. Criteria: ACMG Guidelines, 2015. Collection method: clinical testing. Allele origin: germline.
Comment: This variant is classified as likely benign based on ACMG/AMP sequence variant interpretation guidelines (Richards et al. 2015 PMID: 25741868, with internal and published modifications).

GeneDx
Classification: Benign. Last evaluated: 2014-06-20. Review status: criteria provided, single submitter. Criteria: GeneDx Variant Classification (06012015). Collection method: clinical testing. Allele origin: germline. Affected: yes.
Comment: This variant is considered likely benign or benign based on one or more of the following criteria: it is a conservative change, it occurs at a poorly conserved position in the protein, it is predicted to be benign by multiple in silico algorithms, and/or has population frequency not consistent with disease.

NM_000391.3(TPP1):c.-40T>C

Gene: TPP1 (tripeptidyl peptidase 1; minus strand). Cytogenetic location: 11p15.4.
Variant type: single nucleotide variant.
Coding change: c.-40T>C on transcript NM_000391.3; 40 bases upstream of the start codon, T replaced by C.
Genome position (GRCh38, 1-based): chr11:6,619,440, A>G on the plus strand (T>C on the coding strand, the complement: TPP1 is on the minus strand). VCF-style: chr11-6619440-A-G. GRCh37 (hg19) VCF-style: chr11-6640671-A-G.
Identifiers: ClinVar variation 207557 (VCV000207557.8), dbSNP rs200184958, ClinGen allele CA319143.